The following is an entry in ClinVar:

ClinVar aggregate classification (germline): Uncertain significance (1 of 4 stars; one submission).

Conditions:
Charcot-Marie-Tooth disease type 2. Also called: Charcot-Marie-Tooth type 2. Identifiers: Orphanet 64746, MedGen C0270914, MONDO:0018993.

Allele frequency attached by ClinVar (database versions not stated): gnomAD exomes below 0.00001; TOPMed 0.00002; gnomAD 0.00001.
gnomAD v4.1: 7 of 1,614,016 alleles (0.00043%); highest among the groups gnomAD compares: East Asian, 0.0022%; no homozygotes.

Submission:

Labcorp Genetics (formerly Invitae), Labcorp
Classification: Uncertain significance for Charcot-Marie-Tooth disease type 2. Last evaluated: 2020-02-16. Review status: criteria provided, single submitter. Criteria: Invitae Variant Classification Sherloc (09022015). Collection method: clinical testing. Allele origin: germline.
Comment: This variant is not present in population databases (ExAC no frequency). This sequence change replaces isoleucine with threonine at codon 57 of the AARS protein (p.Ile57Thr). The isoleucine residue is moderately conserved and there is a moderate physicochemical difference between isoleucine and threonine. This variant has not been reported in the literature in individuals with AARS-related conditions. Algorithms developed to predict the effect of missense changes on protein structure and function are either unavailable or do not agree on the potential impact of this missense change (SIFT: "Tolerated"; PolyPhen-2: "Possibly Damaging"; Align-GVGD: "Class C0"). In summary, the available evidence is currently insufficient to determine the role of this variant in disease. Therefore, it has been classified as a Variant of Uncertain Significance.

NM_001605.3(AARS1):c.170T>C (p.Ile57Thr)

Gene: AARS1 (alanyl-tRNA synthetase 1; minus strand). Cytogenetic location: 16q22.1.
Variant type: single nucleotide variant.
Coding change: c.170T>C on transcript NM_001605.3 (MANE Select); coding-DNA position 170, T replaced by C.
Protein change: p.Ile57Thr; replaces isoleucine 57 with threonine.
Molecular consequence: missense variant.
Genome position (GRCh38, 1-based): chr16:70,277,129, A>G on the plus strand (T>C on the coding strand, the complement: AARS1 is on the minus strand). VCF-style: chr16-70277129-A-G. GRCh37 (hg19) VCF-style: chr16-70311032-A-G.
Other names: short protein forms I57T.
Identifiers: ClinVar variation 1022533 (VCV001022533.8), dbSNP rs567262501, ClinGen allele CA396569803.